The following is an entry in ClinVar:

NM_002637.4(PHKA1):c.2404C>T (p.Arg802Trp)

Gene: PHKA1 (phosphorylase kinase regulatory subunit alpha 1; minus strand). Cytogenetic location: Xq13.1.
Variant type: single nucleotide variant.
Coding change: c.2404C>T on transcript NM_002637.4 (MANE Select); coding-DNA position 2404, C replaced by T.
Protein change: p.Arg802Trp; replaces arginine 802 with tryptophan.
Molecular consequence: missense variant.
Genome position (GRCh38, 1-based): chrX:72,611,150, G>A on the plus strand (C>T on the coding strand, the complement: PHKA1 is on the minus strand). VCF-style: chrX-72611150-G-A. GRCh37 (hg19) VCF-style: chrX-71831000-G-A.
Other names: c.2404C>T, p.Arg802Trp (NM_001122670.2); c.2227C>T, p.Arg743Trp (NM_001172436.2); c.2404C>T (NM_002637.3); short protein forms R802W, R743W.
Identifiers: ClinVar variation 624429 (VCV000624429.48), dbSNP rs782789642, ClinGen allele CA10450696.

ClinVar aggregate classification (germline): Uncertain significance. Review status: criteria provided, multiple submitters, no conflicts (2 of 4 stars). 3 submissions from 3 submitters: Uncertain significance (3). Last evaluated 2023-04-15.

Conditions:
Inborn genetic diseases. Identifiers: MedGen C0950123, MeSH D030342.
Glycogen storage disease IXd (GSD9D). Also called: Muscle Phosphorylase Kinase Deficiency; GSD IXd. Identifiers: Orphanet 715, MedGen C1845151, MONDO:0010362, OMIM 300559.

Allele frequency attached by ClinVar (database versions not stated): ExAC 0.00001; gnomAD 0.00001; TOPMed 0.00001; gnomAD exomes 0.00002.

Submissions (3):

Labcorp Genetics (formerly Invitae), Labcorp
Classification: Uncertain significance for Glycogen storage disease IXd. Last evaluated: 2023-04-15. Review status: criteria provided, single submitter. Criteria: Invitae Variant Classification Sherloc (09022015). Collection method: clinical testing. Allele origin: germline.
Comment: This sequence change replaces arginine, which is basic and polar, with tryptophan, which is neutral and slightly polar, at codon 802 of the PHKA1 protein (p.Arg802Trp). This variant is present in population databases (rs782789642, gnomAD 0.004%). This variant has not been reported in the literature in individuals affected with PHKA1-related conditions. ClinVar contains an entry for this variant (Variation ID: 624429). An algorithm developed to predict the effect of missense changes on protein structure and function (PolyPhen-2) suggests that this variant is likely to be disruptive. In summary, the available evidence is currently insufficient to determine the role of this variant in disease. Therefore, it has been classified as a Variant of Uncertain Significance.

Ambry Genetics
Classification: Uncertain significance for Inborn genetic diseases. Last evaluated: 2022-12-02. Review status: criteria provided, single submitter. Criteria: Ambry Variant Classification Scheme 2023. Collection method: clinical testing. Allele origin: germline.

CeGaT Center for Human Genetics Tuebingen
Classification: Uncertain significance. Last evaluated: 2018-12-01. Review status: criteria provided, single submitter. Criteria: CeGaT Center For Human Genetics Tuebingen Variant Classification Criteria Version 2. Collection method: clinical testing. Allele origin: germline. Affected: yes. Observed: 4 variant alleles.